The following is an entry in ClinVar:

ClinVar aggregate classification (germline): Uncertain significance. Review status: criteria provided, multiple submitters, no conflicts (2 of 4 stars). 2 submissions from 2 submitters: Uncertain significance (2). Last evaluated 2022-10-14.

Conditions:
Familial sleep-related hypermotor epilepsy. Also called: Autosomal Dominant Sleep-Related Hypermotor (Hyperkinetic) Epilepsy. Identifiers: Orphanet 98784, MedGen C3696898, MONDO:0000030.

Allele frequency attached by ClinVar (database versions not stated): gnomAD 0.00001; gnomAD exomes 0.00001; TOPMed 0.00001.
gnomAD v4.1: 8 of 1,537,908 alleles (0.00052%); highest among the groups gnomAD compares: African/African-American, 0.0014%; no homozygotes.

Submissions (2):

Labcorp Genetics (formerly Invitae), Labcorp
Classification: Uncertain significance. Last evaluated: 2022-10-14. Review status: criteria provided, single submitter. Criteria: Invitae Variant Classification Sherloc (09022015). Collection method: clinical testing. Allele origin: germline.
Comment: This sequence change replaces methionine, which is neutral and non-polar, with valine, which is neutral and non-polar, at codon 438 of the CHRNB2 protein (p.Met438Val). This variant is not present in population databases (gnomAD no frequency). This variant has not been reported in the literature in individuals affected with CHRNB2-related conditions. ClinVar contains an entry for this variant (Variation ID: 447038). Advanced modeling of protein sequence and biophysical properties (such as structural, functional, and spatial information, amino acid conservation, physicochemical variation, residue mobility, and thermodynamic stability) performed at Invitae indicates that this missense variant is not expected to disrupt CHRNB2 protein function. In summary, the available evidence is currently insufficient to determine the role of this variant in disease. Therefore, it has been classified as a Variant of Uncertain Significance.

Athena Diagnostics
Classification: Uncertain significance. Last evaluated: 2016-10-07. Review status: criteria provided, single submitter. Criteria: Athena Diagnostics Criteria. Collection method: clinical testing. Allele origin: germline.

NM_000748.3(CHRNB2):c.1312A>G (p.Met438Val)

Gene: CHRNB2 (cholinergic receptor nicotinic beta 2 subunit; plus strand). Cytogenetic location: 1q21.3.
Variant type: single nucleotide variant.
Coding change: c.1312A>G on transcript NM_000748.3 (MANE Select); coding-DNA position 1312, A replaced by G.
Protein change: p.Met438Val; replaces methionine 438 with valine.
Molecular consequence: missense variant.
Genome position (GRCh38, 1-based): chr1:154,572,135, A>G. VCF-style: chr1-154572135-A-G. GRCh37 (hg19) VCF-style: chr1-154544611-A-G.
Other names: short protein forms M438V.
Identifiers: ClinVar variation 447038 (VCV000447038.8), dbSNP rs916448473, ClinGen allele CA30835182.